The following is an entry in ClinVar:

NM_001963.6(EGF):c.1313-10G>T

Gene: EGF (epidermal growth factor; plus strand). Cytogenetic location: 4q25.
Variant type: single nucleotide variant.
Coding change: c.1313-10G>T on transcript NM_001963.6 (MANE Select); 10 bases into the intron before coding-DNA position 1313, G replaced by T.
Molecular consequence: intron variant.
Genome position (GRCh38, 1-based): chr4:109,963,163, G>T. VCF-style: chr4-109963163-G-T. GRCh37 (hg19) VCF-style: chr4-110884319-G-T.
Other names: p.?; c.1313-10G>T (NM_001178130.3); c.1187-10G>T (NM_001178131.3, NM_001357021.2).
Identifiers: ClinVar variation 347235 (VCV000347235.16), dbSNP rs11568952, ClinGen allele CA3043649.

ClinVar aggregate classification (germline): Benign/Likely benign. Review status: criteria provided, multiple submitters, no conflicts (2 of 4 stars). 5 submissions from 5 submitters: Benign (2); Likely benign (3). Last evaluated 2026-01-06.

Conditions:
Renal hypomagnesemia 4. Also called: HYPOMAGNESEMIA, RENAL, NORMOCALCIURIC. Identifiers: Orphanet 34527, MedGen C2673648, MONDO:0012717, OMIM 611718.

Allele frequency attached by ClinVar (database versions not stated): 1000 Genomes Project 30x 0.00531; 1000 Genomes Project 0.00559; TOPMed 0.00837; gnomAD 0.00889 and 0.00915; gnomAD exomes 0.00923 and 0.01426; ExAC 0.00966; ESP Exome Variant Server 0.01115.
gnomAD v4.1: 22,023 of 1,613,310 alleles (1.4%); highest among the groups gnomAD compares: Non-Finnish European, 1.7%; 203 homozygotes.

Submissions (5):

Labcorp Genetics (formerly Invitae), Labcorp
Classification: Benign. Last evaluated: 2026-01-06. Review status: criteria provided, single submitter. Criteria: Invitae Variant Classification Sherloc (09022015). Collection method: clinical testing. Allele origin: germline.

Mayo Clinic Laboratories, Mayo Clinic
Classification: Likely benign. Last evaluated: 2025-11-02. Review status: criteria provided, single submitter. Criteria: ACMG Guidelines, 2015. Collection method: clinical testing. Allele origin: germline. Observed: 5 variant alleles.
Comment: BS2, BP4, BP7

GeneDx
Classification: Likely benign. Last evaluated: 2021-05-06. Review status: criteria provided, single submitter. Criteria: GeneDx Variant Classification Process June 2021. Collection method: clinical testing. Allele origin: germline. Affected: yes.

Illumina Laboratory Services, Illumina
Classification: Benign for Renal hypomagnesemia 4. Last evaluated: 2018-01-12. Review status: criteria provided, single submitter. Criteria: ICSL Variant Classification Criteria 13 December 2019. Collection method: clinical testing. Allele origin: germline.
Comment: This variant was observed in the ICSL laboratory as part of a predisposition screen in an ostensibly healthy population. It had not been previously curated by ICSL or reported in the Human Gene Mutation Database (HGMD: prior to June 1st, 2018), and was therefore a candidate for classification through an automated scoring system. Utilizing variant allele frequency, disease prevalence and penetrance estimates, and inheritance mode, an automated score was calculated to assess if this variant is too frequent to cause the disease. Based on the score and internal cut-off values, a variant classified as benign is not then subjected to further curation. The score for this variant resulted in a classification of benign for this disease.

Breakthrough Genomics
Classification: Likely benign. Review status: criteria provided, single submitter. Criteria: ACMG Guidelines, 2015. Collection method: not provided. Allele origin: germline. Inheritance: Autosomal recessive inheritance. Affected: yes.